The following is an entry in ClinVar:

NM_000639.3(FASLG):c.532A>G (p.Lys178Glu)

Gene: FASLG (Fas ligand; plus strand). Cytogenetic location: 1q24.3.
Variant type: single nucleotide variant.
Coding change: c.532A>G on transcript NM_000639.3 (MANE Select); coding-DNA position 532, A replaced by G.
Protein change: p.Lys178Glu; replaces lysine 178 with glutamic acid.
Molecular consequence: missense variant. On other transcripts: 3 prime UTR variant (1).
Genome position (GRCh38, 1-based): chr1:172,665,702, A>G. VCF-style: chr1-172665702-A-G. GRCh37 (hg19) VCF-style: chr1-172634842-A-G.
Other names: c.*102A>G (NM_001302746.2); c.532A>G (NM_000639.1); short protein forms K178E.
Identifiers: ClinVar variation 1506314 (VCV001506314.5), dbSNP rs772212573, ClinGen allele CA1247585.
Genomic context (GRCh38, chr1:172,665,702, plus strand): 5'-ATGCCTCTGGAATGGGAAGACACCTATGGAATTGTCCTGCTTTCTGGAGTGAAGTATAAG[A>G]AGGGTGGCCTTGTGATCAATGAAACTGGGCTGTACTTTGTATATTCCAAAGTATACTTCC-3'
Protein context (NP_000630.1, residues 168-188): IVLLSGVKYK[Lys178Glu]GGLVINETGL

ClinVar aggregate classification (germline): Uncertain significance. Review status: criteria provided, multiple submitters, no conflicts (2 of 4 stars). 2 submissions from 2 submitters: Uncertain significance (2). Last evaluated 2022-11-08.

Conditions:
Autoimmune lymphoproliferative syndrome type 1. Also called: AUTOIMMUNE LYMPHOPROLIFERATIVE SYNDROME, TYPE I, AUTOSOMAL DOMINANT. Identifiers: Orphanet 3261, MedGen C2717884, MONDO:0011158, OMIM 601859.

Allele frequency attached by ClinVar (database versions not stated): TOPMed below 0.00001; ExAC 0.00001; gnomAD exomes 0.00001 and 0.00003.

Submissions (2):

Labcorp Genetics (formerly Invitae), Labcorp
Classification: Uncertain significance for Autoimmune lymphoproliferative syndrome. Last evaluated: 2022-11-08. Review status: criteria provided, single submitter. Criteria: Invitae Variant Classification Sherloc (09022015). Collection method: clinical testing. Allele origin: germline.
Comment: In summary, the available evidence is currently insufficient to determine the role of this variant in disease. Therefore, it has been classified as a Variant of Uncertain Significance. Advanced modeling of protein sequence and biophysical properties (such as structural, functional, and spatial information, amino acid conservation, physicochemical variation, residue mobility, and thermodynamic stability) performed at Invitae indicates that this missense variant is not expected to disrupt FASLG protein function. ClinVar contains an entry for this variant (Variation ID: 1506314). This variant has not been reported in the literature in individuals affected with FASLG-related conditions. This variant is present in population databases (rs772212573, gnomAD 0.02%). This sequence change replaces lysine, which is basic and polar, with glutamic acid, which is acidic and polar, at codon 178 of the FASLG protein (p.Lys178Glu).

Ambry Genetics
Classification: Uncertain significance. Last evaluated: 2021-09-01. Review status: criteria provided, single submitter. Criteria: Ambry Variant Classification Scheme 2023. Collection method: clinical testing. Allele origin: germline.